The following is an entry in ClinVar:

ClinVar aggregate classification (germline): Uncertain significance. Review status: criteria provided, multiple submitters, no conflicts (2 of 4 stars). 2 submissions from 2 submitters: Uncertain significance (2). Last evaluated 2023-01-06.

Conditions:
Inborn genetic diseases. Identifiers: MedGen C0950123, MeSH D030342.

Allele frequency attached by ClinVar (database versions not stated): ExAC 0.00001; gnomAD exomes 0.00001 and 0.00002; TOPMed 0.00002; gnomAD 0.00003 and 0.00004.
gnomAD v4.1: 16 of 1,613,864 alleles (0.00099%); highest among the groups gnomAD compares: Non-Finnish European, 0.0013%; no homozygotes.

Submissions (2):

Ambry Genetics
Classification: Uncertain significance for Inborn genetic diseases. Last evaluated: 2023-01-06. Review status: criteria provided, single submitter. Criteria: Ambry Variant Classification Scheme 2023. Collection method: clinical testing. Allele origin: germline.

Labcorp Genetics (formerly Invitae), Labcorp
Classification: Uncertain significance. Last evaluated: 2021-09-01. Review status: criteria provided, single submitter. Criteria: Invitae Variant Classification Sherloc (09022015). Collection method: clinical testing. Allele origin: germline.
Comment: This sequence change replaces arginine with threonine at codon 385 of the RETREG1 protein (p.Arg385Thr). The arginine residue is moderately conserved and there is a moderate physicochemical difference between arginine and threonine. This variant is present in population databases (rs750674196, ExAC 0.002%). This variant has not been reported in the literature in individuals affected with RETREG1-related conditions. Algorithms developed to predict the effect of missense changes on protein structure and function output the following: SIFT: "Deleterious"; PolyPhen-2: "Benign"; Align-GVGD: "Class C0". The threonine amino acid residue is found in multiple mammalian species, which suggests that this missense change does not adversely affect protein function. In summary, the available evidence is currently insufficient to determine the role of this variant in disease. Therefore, it has been classified as a Variant of Uncertain Significance.

NM_001034850.3(RETREG1):c.1154G>C (p.Arg385Thr)

Gene: RETREG1 (reticulophagy regulator 1; minus strand). Cytogenetic location: 5p15.1.
Variant type: single nucleotide variant.
Coding change: c.1154G>C on transcript NM_001034850.3 (MANE Select); coding-DNA position 1154, G replaced by C.
Protein change: p.Arg385Thr; replaces arginine 385 with threonine.
Molecular consequence: missense variant.
Genome position (GRCh38, 1-based): chr5:16,475,081, C>G on the plus strand (G>C on the coding strand, the complement: RETREG1 is on the minus strand). VCF-style: chr5-16475081-C-G. GRCh37 (hg19) VCF-style: chr5-16475190-C-G.
Other names: c.731G>C, p.Arg244Thr (NM_019000.5); c.1154G>C (NM_001034850.1); short protein forms R385T, R244T.
Identifiers: ClinVar variation 640018 (VCV000640018.7), dbSNP rs750674196, ClinGen allele CA3210239.